The following is an entry in ClinVar:

NM_001009944.3(PKD1):c.10795T>C (p.Ser3599Pro)

Genes: PKD1 (polycystin 1, transient receptor potential channel interacting; minus strand), PKD1-AS1 (PKD1 antisense RNA 1; plus strand). Cytogenetic location: 16p13.3.
Variant type: single nucleotide variant.
Coding change: c.10795T>C on transcript NM_001009944.3 (MANE Select); coding-DNA position 10795, T replaced by C.
Protein change: p.Ser3599Pro; replaces serine 3599 with proline.
Molecular consequence: missense variant.
Genome position (GRCh38, 1-based): chr16:2,093,837, A>G on the plus strand (T>C on the coding strand, the complement: PKD1 is on the minus strand). VCF-style: chr16-2093837-A-G. GRCh37 (hg19) VCF-style: chr16-2143838-A-G.
Other names: c.10792T>C, p.Ser3598Pro (NM_000296.4); short protein forms S3598P, S3599P.
Identifiers: ClinVar variation 4997479 (VCV004997479.1).

ClinVar aggregate classification (germline): Uncertain significance (1 of 4 stars; one submission).

Conditions:
PKD1-related disorder. Also called: PKD1-related condition.

Submission:

PreventionGenetics, part of Exact Sciences
Classification: Uncertain significance for PKD1-related condition. Last evaluated: 2025-07-08. Review status: criteria provided, single submitter. Criteria: ACMG Guidelines, 2015. Collection method: clinical testing. Allele origin: germline.
Comment: The PKD1 c.10795T>C variant is predicted to result in the amino acid substitution p.Ser3599Pro. This variant has been reported in a fetus with isolated hyperechogenic kidneys (Fetus 1, Deng et al. 2022. PubMed ID: 35065907). This variant has not been reported in a large population database (gnomAD), indicating this variant is rare. At this time, the clinical significance of this variant is uncertain due to the absence of conclusive functional and genetic evidence.